The following is an entry in ClinVar:

NM_000388.4(CASR):c.1652G>A (p.Arg551Lys)

Gene: CASR (calcium sensing receptor; plus strand). Cytogenetic location: 3q21.1.
Variant type: single nucleotide variant.
Coding change: c.1652G>A on transcript NM_000388.4 (MANE Select); coding-DNA position 1652, G replaced by A.
Protein change: p.Arg551Lys; replaces arginine 551 with lysine.
Molecular consequence: missense variant.
Genome position (GRCh38, 1-based): chr3:122,282,156, G>A. VCF-style: chr3-122282156-G-A. GRCh37 (hg19) VCF-style: chr3-122001003-G-A.
Other names: c.1682G>A, p.Arg561Lys (NM_001178065.2); short protein forms R551K, R561K.
Identifiers: ClinVar variation 410358 (VCV000410358.13), dbSNP rs1060502861, ClinGen allele CA16611307.

ClinVar aggregate classification (germline): Likely pathogenic. Review status: criteria provided, single submitter (1 of 4 stars). 2 submissions from 2 submitters: Likely pathogenic (1). 1 of the submissions does not count toward it. Last evaluated 2019-11-28.

Conditions:
Autosomal dominant hypocalcemia 1 (HYPOC1). Also called: HYPOCALCEMIA, FAMILIAL. Identifiers: MedGen C3715128, MONDO:0011013, OMIM 601198.
Familial hypocalciuric hypercalcemia (FHH). Also called: Familial benign hypercalcemia. Identifiers: Orphanet 405, MedGen C1809471, MONDO:0018458.
Familial hypocalciuric hypercalcemia 1. Also called: Hypercalcemia, familial benign type 1. Identifiers: Orphanet 405, Orphanet 93372, MedGen C0342637, MONDO:0007791, OMIM 145980.

Submissions (2):

Labcorp Genetics (formerly Invitae), Labcorp
Classification: Likely pathogenic for Familial hypocalciuric hypercalcemia; Autosomal dominant hypocalcemia 1. Last evaluated: 2019-11-28. Review status: criteria provided, single submitter. Criteria: Invitae Variant Classification Sherloc (09022015). Collection method: clinical testing. Allele origin: germline.
Comment: Advanced modeling of protein sequence and biophysical properties (such as structural, functional, and spatial information, amino acid conservation, physicochemical variation, residue mobility, and thermodynamic stability) performed at Invitae indicates that this missense variant is expected to disrupt CASR protein function. In summary, the currently available evidence indicates that the variant is pathogenic, but additional data are needed to prove that conclusively. Therefore, this variant has been classified as Likely Pathogenic. This variant has been observed to be de novo in one individual affected with familial hypocalciuric hypercalcemia (FHH) (PMID: 17555508) and to segregate with FHH in a family (PMID: 20034274). ClinVar contains an entry for this variant (Variation ID: 410358). This variant is not present in population databases (ExAC no frequency). This sequence change replaces arginine with lysine at codon 551 of the CASR protein (p.Arg551Lys). The arginine residue is highly conserved and there is a small physicochemical difference between arginine and lysine.

Cardiovascular Genetics Laboratory, PathWest Laboratory Medicine WA - Fiona Stanley Hospital
Classification: Pathogenic for Familial hypocalciuric hypercalcemia 1. Last evaluated: 2024-04-29. Review status: no assertion criteria provided. Criteria: ACMG Guidelines, 2015. Collection method: clinical testing. Allele origin: germline. Affected: yes. Not counted in ClinVar's aggregate classification.

Literature cited by the submitters: PubMed 17555508 (cited by Labcorp Genetics (formerly Invitae), Labcorp); PubMed 20034274 (cited by Labcorp Genetics (formerly Invitae), Labcorp).